The following is an entry in ClinVar:

NM_020207.7(ERCC6L2):c.808A>G (p.Ile270Val)

Gene: ERCC6L2 (ERCC excision repair 6 like 2; plus strand). Cytogenetic location: 9q22.32.
Variant type: single nucleotide variant.
Coding change: c.808A>G on transcript NM_020207.7 (MANE Select); coding-DNA position 808, A replaced by G.
Protein change: p.Ile270Val; replaces isoleucine 270 with valine.
Molecular consequence: missense variant. On other transcripts: non-coding transcript variant (1).
Genome position (GRCh38, 1-based): chr9:95,915,687, A>G. VCF-style: chr9-95915687-A-G. GRCh37 (hg19) VCF-style: chr9-98677969-A-G.
Other names: c.808A>G, p.Ile270Val (NM_001010895.4, NM_001375291.1, NM_001375292.1 and 2 more transcripts); short protein forms I270V.
Identifiers: ClinVar variation 4250544 (VCV004250544.1).

ClinVar aggregate classification (germline): Uncertain significance (1 of 4 stars; one submission).

Conditions:
Inborn genetic diseases. Identifiers: MedGen C0950123, MeSH D030342.

Submission:

Ambry Genetics
Classification: Uncertain significance for Inborn genetic diseases. Last evaluated: 2025-06-19. Review status: criteria provided, single submitter. Criteria: Ambry Variant Classification Scheme 2023. Collection method: clinical testing. Allele origin: germline.
Comment: The p.I270V variant (also known as c.808A>G), located in coding exon 5 of the ERCC6L2 gene, results from an A to G substitution at nucleotide position 808. The isoleucine at codon 270 is replaced by valine, an amino acid with highly similar properties. This amino acid position is conserved. In addition, the in silico prediction for this alteration is inconclusive. Based on the available evidence, the clinical significance of this variant remains unclear.